The following is an entry in ClinVar:

ClinVar aggregate classification (germline): Likely benign. Review status: criteria provided, multiple submitters, no conflicts (2 of 4 stars). 2 submissions from 2 submitters: Likely benign (2). Last evaluated 2025-09-04.

Allele frequency attached by ClinVar (database versions not stated): gnomAD 0.00030; ExAC 0.00033; TOPMed 0.00035; ESP Exome Variant Server 0.00054; gnomAD exomes 0.00055.
gnomAD v4.1: 854 of 1,613,370 alleles (0.053%); highest among the groups gnomAD compares: Non-Finnish European, 0.059%; no homozygotes.

Submissions (2):

Labcorp Genetics (formerly Invitae), Labcorp
Classification: Likely benign. Last evaluated: 2025-09-04. Review status: criteria provided, single submitter. Criteria: Invitae Variant Classification Sherloc (09022015). Collection method: clinical testing. Allele origin: germline.

CeGaT Center for Human Genetics Tuebingen
Classification: Likely benign. Last evaluated: 2022-08-01. Review status: criteria provided, single submitter. Criteria: CeGaT Center For Human Genetics Tuebingen Variant Classification Criteria Version 2. Collection method: clinical testing. Allele origin: germline. Affected: yes. Observed: 2 variant alleles.
Comment: ACER3: BP4, BP7

NM_018367.7(ACER3):c.795G>A (p.Arg265=)

Gene: ACER3 (alkaline ceramidase 3; plus strand). Cytogenetic location: 11q13.5.
Variant type: single nucleotide variant.
Coding change: c.795G>A on transcript NM_018367.7 (MANE Select); coding-DNA position 795, G replaced by A.
Protein change: p.Arg265=; no amino-acid change (arginine 265 retained).
Molecular consequence: synonymous variant.
Genome position (GRCh38, 1-based): chr11:77,020,318, G>A. VCF-style: chr11-77020318-G-A. GRCh37 (hg19) VCF-style: chr11-76731362-G-A.
Other names: c.684G>A, p.Arg228= (NM_001300953.2); c.510G>A, p.Arg170= (NM_001300954.2, NM_001300955.2).
Identifiers: ClinVar variation 2070015 (VCV002070015.28), dbSNP rs147930782, ClinGen allele CA6195826.
Genomic context (GRCh38, chr11:77,020,318, plus strand): 5'-ATTTGTCCCCAAACAGTTTCTCTTTGGAATCTGGCCAGTGATCCTGTTTGAGCCTCTCAG[G>A]AAGCATTGATGAATCATTCCACCAAGAAAACAAACAAGCACCTACCATAGACCTGGCAGA-3'
Protein context (NP_060837.3, residues 255-267): IWPVILFEPL[Arg265=]KH